The following is an entry in ClinVar:

NM_006514.4(SCN10A):c.5662T>A (p.Ser1888Thr)

Gene: SCN10A (sodium voltage-gated channel alpha subunit 10; minus strand). Cytogenetic location: 3p22.2.
Variant type: single nucleotide variant.
Coding change: c.5662T>A on transcript NM_006514.4 (MANE Select); coding-DNA position 5662, T replaced by A.
Protein change: p.Ser1888Thr; replaces serine 1888 with threonine.
Molecular consequence: missense variant.
Genome position (GRCh38, 1-based): chr3:38,697,558, A>T on the plus strand (T>A on the coding strand, the complement: SCN10A is on the minus strand). VCF-style: chr3-38697558-A-T. GRCh37 (hg19) VCF-style: chr3-38739049-A-T.
Other names: c.5659T>A, p.Ser1887Thr (NM_001293306.2); c.5368T>A, p.Ser1790Thr (NM_001293307.2); short protein forms S1790T, S1887T, S1888T.
Identifiers: ClinVar variation 842626 (VCV000842626.8), dbSNP rs2063103746, ClinGen allele CA352152618.

ClinVar aggregate classification (germline): Uncertain significance (1 of 4 stars; one submission).

Conditions:
Brugada syndrome. Also called: Sudden unexplained nocturnal death syndrome; Sudden Unexplained Death Syndrome; Sudden Unexplained Nocturnal Death Syndrome (SUNDS); Sudden unexpected nocturnal death syndrome. Identifiers: Orphanet 130, MedGen C1142166, MONDO:0015263.

Submission:

Labcorp Genetics (formerly Invitae), Labcorp
Classification: Uncertain significance for Brugada syndrome. Last evaluated: 2019-12-29. Review status: criteria provided, single submitter. Criteria: Invitae Variant Classification Sherloc (09022015). Collection method: clinical testing. Allele origin: germline.
Comment: In summary, the available evidence is currently insufficient to determine the role of this variant in disease. Therefore, it has been classified as a Variant of Uncertain Significance. Algorithms developed to predict the effect of missense changes on protein structure and function (SIFT, PolyPhen-2, Align-GVGD) all suggest that this variant is likely to be tolerated, but these predictions have not been confirmed by published functional studies and their clinical significance is uncertain. This variant has not been reported in the literature in individuals with SCN10A-related conditions. This variant is not present in population databases (ExAC no frequency). This sequence change replaces serine with threonine at codon 1888 of the SCN10A protein (p.Ser1888Thr). The serine residue is weakly conserved and there is a small physicochemical difference between serine and threonine.